The following is an entry in ClinVar:

ClinVar aggregate classification (germline): Uncertain significance (1 of 4 stars; one submission).

Conditions:
Cardiomyopathy (CMYO). Also called: Cardiomyopathies. Identifiers: Orphanet 167848, MedGen C0878544, MONDO:0004994, HP:0001638. Inheritance: Various modes of inheritance.

gnomAD v4.1: 1 of 1,610,188 alleles (0.000062%); no homozygotes.

Submission:

Color Diagnostics, LLC DBA Color Health
Classification: Uncertain significance for Cardiomyopathy. Last evaluated: 2025-07-15. Review status: criteria provided, single submitter. Criteria: ACMG Guidelines, 2015. Collection method: clinical testing. Allele origin: germline.
Comment: This missense variant replaces glycine with serine at codon 21 of the PRKAG2 protein. Computational prediction suggests that this variant may not impact protein structure and function. To our knowledge, functional studies have not been reported for this variant. This variant has not been reported in individuals affected with PRKAG2-related disorders in the literature. This variant has been identified in 2/248390 chromosomes in the general population by the Genome Aggregation Database (gnomAD). The available evidence is insufficient to determine the role of this variant in disease conclusively. Therefore, this variant is classified as a Variant of Uncertain Significance.

NM_016203.4(PRKAG2):c.61G>A (p.Gly21Ser)

Gene: PRKAG2 (protein kinase AMP-activated non-catalytic subunit gamma 2; minus strand). Cytogenetic location: 7q36.1.
Variant type: single nucleotide variant.
Coding change: c.61G>A on transcript NM_016203.4 (MANE Select); coding-DNA position 61, G replaced by A.
Protein change: p.Gly21Ser; replaces glycine 21 with serine.
Molecular consequence: missense variant.
Genome position (GRCh38, 1-based): chr7:151,876,560, C>T on the plus strand (G>A on the coding strand, the complement: PRKAG2 is on the minus strand). VCF-style: chr7-151876560-C-T. GRCh37 (hg19) VCF-style: chr7-151573645-C-T.
Other names: c.61G>A, p.Gly21Ser (NM_001407021.1, NM_001407022.1, NM_001407023.1 and 2 more transcripts); short protein forms G21S.
Identifiers: ClinVar variation 4758408 (VCV004758408.1).